The following is an entry in ClinVar:

NM_001197104.2(KMT2A):c.9455C>T (p.Ala3152Val)

Gene: KMT2A (lysine methyltransferase 2A; plus strand). Cytogenetic location: 11q23.3.
Variant type: single nucleotide variant.
Coding change: c.9455C>T on transcript NM_001197104.2 (MANE Select); coding-DNA position 9455, C replaced by T.
Protein change: p.Ala3152Val; replaces alanine 3152 with valine.
Molecular consequence: missense variant.
Genome position (GRCh38, 1-based): chr11:118,505,347, C>T. VCF-style: chr11-118505347-C-T. GRCh37 (hg19) VCF-style: chr11-118376062-C-T.
Other names: c.9545C>T, p.Ala3182Val (NM_001412597.1); c.9446C>T, p.Ala3149Val (NM_005933.4); short protein forms A3182V, A3149V, A3152V.
Identifiers: ClinVar variation 3681485 (VCV003681485.2).
Genomic context (GRCh38, chr11:118,505,347, plus strand): 5'-TCACCCTTACCACAGGACTAAATCCAAGCTTGCCAACTTCTCAATCTTTGTTCCCTTCTG[C>T]TAGCAAAGGATTGCTACCCATGTCTCATCACCAGCACTTACATTCCTTCCCTGCAGCTAC-3'
Protein context (NP_001184033.1, residues 3142-3162): LPTSQSLFPS[Ala3152Val]SKGLLPMSHH

ClinVar aggregate classification (germline): Uncertain significance (1 of 4 stars; one submission).

Submission:

Labcorp Genetics (formerly Invitae), Labcorp
Classification: Uncertain significance. Last evaluated: 2024-08-06. Review status: criteria provided, single submitter. Criteria: Invitae Variant Classification Sherloc (09022015). Collection method: clinical testing. Allele origin: germline.
Comment: This sequence change replaces alanine, which is neutral and non-polar, with valine, which is neutral and non-polar, at codon 3152 of the KMT2A protein (p.Ala3152Val). This variant is not present in population databases (gnomAD no frequency). This variant has not been reported in the literature in individuals affected with KMT2A-related conditions. Advanced modeling of protein sequence and biophysical properties (such as structural, functional, and spatial information, amino acid conservation, physicochemical variation, residue mobility, and thermodynamic stability) performed at Invitae indicates that this missense variant is not expected to disrupt KMT2A protein function with a negative predictive value of 95%. In summary, the available evidence is currently insufficient to determine the role of this variant in disease. Therefore, it has been classified as a Variant of Uncertain Significance.